The following is an entry in ClinVar:

ClinVar aggregate classification (germline): Uncertain significance (1 of 4 stars; one submission).

Submission:

Women's Health and Genetics/Laboratory Corporation of America, LabCorp
Classification: Uncertain significance. Last evaluated: 2025-12-19. Review status: criteria provided, single submitter. Criteria: LabCorp Variant Classification Summary - May 2015. Collection method: clinical testing. Allele origin: germline.
Comment: Variant summary: MVK c.929T>C (p.Val310Ala) results in a non-conservative amino acid change in the encoded protein sequence. Algorithms developed to predict the effect of missense changes on protein structure and function all suggest that this variant is likely to be disruptive. The variant allele was found at a frequency of 4e-06 in 251400 control chromosomes. The available data on variant occurrences in the general population are insufficient to allow any conclusion about variant significance. To our knowledge, no occurrence of c.929T>C in individuals affected with MVK-related conditions and no experimental evidence demonstrating its impact on protein function have been reported. No submitters have cited clinical-significance assessments for this variant to ClinVar. Based on the evidence outlined above, the variant was classified as uncertain significance.

NM_000431.4(MVK):c.929T>C (p.Val310Ala)

Gene: MVK (mevalonate kinase; plus strand). Cytogenetic location: 12q24.11.
Variant type: single nucleotide variant.
Coding change: c.929T>C on transcript NM_000431.4 (MANE Select); coding-DNA position 929, T replaced by C.
Protein change: p.Val310Ala; replaces valine 310 with alanine.
Molecular consequence: missense variant. On other transcripts: non-coding transcript variant (4).
Genome position (GRCh38, 1-based): chr12:109,595,071, T>C. VCF-style: chr12-109595071-T-C. GRCh37 (hg19) VCF-style: chr12-110032876-T-C.
Other names: c.929T>C, p.Val310Ala (NM_001114185.3, NM_001414511.1, NM_001414513.1); c.773T>C, p.Val258Ala (NM_001301182.2, NM_001414514.1); c.1004T>C, p.Val335Ala (NM_001414512.1); c.347T>C, p.Val116Ala (NM_001414515.1); short protein forms V116A, V258A, V310A, V335A.
Identifiers: ClinVar variation 4688936 (VCV004688936.1).